The following is an entry in ClinVar:

ClinVar aggregate classification (germline): Pathogenic (1 of 4 stars; one submission).

Conditions:
Pontocerebellar hypoplasia type 1A (PCH1A). Also called: PONTOCEREBELLAR HYPOPLASIA WITH ANTERIOR HORN CELL DISEASE; PONTOCEREBELLAR HYPOPLASIA WITH INFANTILE SPINAL MUSCULAR ATROPHY. Identifiers: Orphanet 2254, Orphanet 88616, MedGen C1843504, MONDO:0011866, OMIM 607596.

Submission:

Labcorp Genetics (formerly Invitae), Labcorp
Classification: Pathogenic for Pontocerebellar hypoplasia type 1A. Last evaluated: 2021-12-27. Review status: criteria provided, single submitter. Criteria: Invitae Variant Classification Sherloc (09022015). Collection method: clinical testing. Allele origin: germline.
Comment: For these reasons, this variant has been classified as Pathogenic. This variant disrupts a region of the VRK1 protein in which other variant(s) (p.Arg387His) have been determined to be pathogenic (PMID: 31837156; Invitae). This suggests that this is a clinically significant region of the protein, and that variants that disrupt it are likely to be disease-causing. This variant has not been reported in the literature in individuals affected with VRK1-related conditions. This variant is not present in population databases (gnomAD no frequency). This sequence change results in a frameshift in the VRK1 gene (p.Ile384Tyrfs*43). While this is not anticipated to result in nonsense mediated decay, it is expected to disrupt the last 13 amino acid(s) of the VRK1 protein and extend the protein by 29 additional amino acid residues.

Literature cited by the submitters: PubMed 31837156.

NM_003384.3(VRK1):c.1149del (p.Ile384fs)

Gene: VRK1 (VRK serine/threonine kinase 1; plus strand). Cytogenetic location: 14q32.2.
Variant type: Deletion.
Coding change: c.1149del on transcript NM_003384.3 (MANE Select); coding-DNA position 1149, one base deleted (C; older notation c.1149delC).
Protein change: p.Ile384fs; shifts the reading frame from isoleucine 384.
Molecular consequence: frameshift variant.
Genome position (GRCh38, 1-based): chr14:96,876,110, C deleted; the last of 2 consecutive C bases (chr14:96,876,109-96,876,110); deleting either gives the same sequence. VCF-style (leftmost placement, unchanged base first): chr14-96876108-GC-G. GRCh37 (hg19) VCF-style: chr14-97342445-GC-G.
Other names: c.1149delC, p.Ile384Tyrfs (NM_001411051.1); c.1146delC, p.Ile383Tyrfs (NM_001411053.1); short protein forms I384fs.
Identifiers: ClinVar variation 2062005 (VCV002062005.4), dbSNP rs2504252353, ClinGen allele CA2580089059.